The following is an entry in ClinVar:

ClinVar aggregate classification (germline): Uncertain significance. Review status: criteria provided, multiple submitters, no conflicts (2 of 4 stars). 4 submissions from 4 submitters: Uncertain significance (4). Last evaluated 2025-06-04.

Conditions:
Aortic aneurysm, familial thoracic 4 (AAT4). Also called: AORTIC ANEURYSM/AORTIC DISSECTION AND PATENT DUCTUS ARTERIOSUS. Identifiers: MedGen C1851504, MONDO:0007568, OMIM 132900.
Familial thoracic aortic aneurysm and aortic dissection (TAAD). Also called: Thoracic aortic aneurysms and dissections. Identifiers: Orphanet 91387, MedGen C4707243, MONDO:0019625.

Allele frequency attached by ClinVar (database versions not stated): gnomAD exomes below 0.00001; gnomAD 0.00001.
gnomAD v4.1: 5 of 1,613,078 alleles (0.00031%); highest among the groups gnomAD compares: Non-Finnish European, 0.00042%; no homozygotes.

Submissions (4):

Labcorp Genetics (formerly Invitae), Labcorp
Classification: Uncertain significance for Aortic aneurysm, familial thoracic 4. Last evaluated: 2025-06-04. Review status: criteria provided, single submitter. Criteria: Invitae Variant Classification Sherloc (09022015). Collection method: clinical testing. Allele origin: germline.
Comment: This sequence change replaces leucine, which is neutral and non-polar, with valine, which is neutral and non-polar, at codon 1715 of the MYH11 protein (p.Leu1715Val). This variant is present in population databases (no rsID available, gnomAD 0.007%). This variant has not been reported in the literature in individuals affected with MYH11-related conditions. ClinVar contains an entry for this variant (Variation ID: 519933). Invitae Evidence Modeling of protein sequence and biophysical properties (such as structural, functional, and spatial information, amino acid conservation, physicochemical variation, residue mobility, and thermodynamic stability) indicates that this missense variant is not expected to disrupt MYH11 protein function with a negative predictive value of 95%. In summary, the available evidence is currently insufficient to determine the role of this variant in disease. Therefore, it has been classified as a Variant of Uncertain Significance.

All of Us Research Program, National Institutes of Health
Classification: Uncertain significance for Familial thoracic aortic aneurysm and aortic dissection. Last evaluated: 2024-09-23. Review status: criteria provided, single submitter. Criteria: ACMG Guidelines, 2015. Collection method: clinical testing. Allele origin: germline. Inheritance: Autosomal dominant inheritance. Observed: 6 variant alleles, 6 heterozygotes.
Comment: This missense variant replaces leucine with valine at codon 1715 of the MYH11 protein. Computational prediction tool suggests that this variant may not impact protein structure and function (internally defined REVEL score threshold <=0.5, PMID: 27666373). Splice site prediction tools suggest that this variant may not impact RNA splicing. To our knowledge, functional studies have not been performed for this variant. This variant has not been reported in individuals affected with cardiovascular disorders in the literature. This variant has been identified in 1/31400 chromosomes in the general population by the Genome Aggregation Database (gnomAD). The available evidence is insufficient to determine the role of this variant in disease conclusively. Therefore, this variant is classified as a Variant of Uncertain Significance.

This study involves interpretation of variants in research participants for the purpose of population health screening. Participant phenotype was not available at the time of variant classification. Additional details can be found in publication PMID: 35346344, PMCID: PMC8962531

Color Diagnostics, LLC DBA Color Health
Classification: Uncertain significance for Familial thoracic aortic aneurysm and aortic dissection. Last evaluated: 2024-03-06. Review status: criteria provided, single submitter. Criteria: ACMG Guidelines, 2015. Collection method: clinical testing. Allele origin: germline.
Comment: This missense variant replaces leucine with valine at codon 1715 of the MYH11 protein. Computational prediction suggests that this variant may not impact protein structure and function (internally defined REVEL score threshold <= 0.5, PMID: 27666373). To our knowledge, functional studies have not been reported for this variant. This variant has not been reported in individuals affected with MYH11-related disorders in the literature. This variant has been identified in 1/31400 chromosomes in the general population by the Genome Aggregation Database (gnomAD). The available evidence is insufficient to determine the role of this variant in disease conclusively. Therefore, this variant is classified as a Variant of Uncertain Significance.

Ambry Genetics
Classification: Uncertain significance for Familial thoracic aortic aneurysm and aortic dissection. Last evaluated: 2016-03-30. Review status: criteria provided, single submitter. Criteria: Ambry Variant Classification Scheme 2023. Collection method: clinical testing. Allele origin: germline.
Comment: The p.L1708V variant (also known as c.5122C>G), located in coding exon 35 of the MYH11 gene, results from a C to G substitution at nucleotide position 5122. The leucine at codon 1708 is replaced by valine, an amino acid with highly similar properties. This variant was not reported in population based cohorts in the following databases: Database of Single Nucleotide Polymorphisms (dbSNP), NHLBI Exome Sequencing Project (ESP), and 1000 Genomes Project. In the ESP, this variant was not observed in 6497 samples (12994 alleles) with coverage at this position. This amino acid position is not well conserved in available vertebrate species. In addition, this alteration is predicted to be tolerated by in silico analysis. Since supporting evidence is limited at this time, the clinical significance of this alteration remains unclear.

NM_002474.3(MYH11):c.5122C>G (p.Leu1708Val)

Genes: MYH11 (myosin heavy chain 11; minus strand), NDE1 (nudE neurodevelopment protein 1; plus strand). Cytogenetic location: 16p13.11.
Variant type: single nucleotide variant.
Coding change: c.5122C>G on transcript NM_002474.3 (MANE Select); coding-DNA position 5122, C replaced by G.
Protein change: p.Leu1708Val; replaces leucine 1708 with valine.
Molecular consequence: missense variant. On other transcripts: intron variant (2).
Genome position (GRCh38, 1-based): chr16:15,719,269, G>C on the plus strand (C>G on the coding strand, the complement: MYH11 is on the minus strand). VCF-style: chr16-15719269-G-C. GRCh37 (hg19) VCF-style: chr16-15813126-G-C.
Other names: c.5143C>G, p.Leu1715Val (NM_001040113.2, NM_001040114.2); c.5122C>G, p.Leu1708Val (NM_022844.3); c.948-4922G>C (NM_001143979.2, NM_017668.3); short protein forms L1708V, L1715V.
Identifiers: ClinVar variation 519933 (VCV000519933.13), dbSNP rs1353911032, ClinGen allele CA394850855.